The following is an entry in ClinVar:

ClinVar aggregate classification (germline): Uncertain significance. Review status: criteria provided, multiple submitters, no conflicts (2 of 4 stars). 3 submissions from 3 submitters: Uncertain significance (3). Last evaluated 2025-10-08.

Conditions:
TTN-related disorder. Also called: TTN-related condition; TTN-related disease; TTN-related disorders.

Allele frequency attached by ClinVar (database versions not stated): gnomAD 0.00001; TOPMed 0.00001; ExAC 0.00002; gnomAD exomes 0.00002.
gnomAD v4.1: 15 of 1,613,266 alleles (0.00093%); highest among the groups gnomAD compares: Admixed American, 0.0033%; no homozygotes.

Submissions (3):

PreventionGenetics, part of Exact Sciences
Classification: Uncertain significance for TTN-related condition. Last evaluated: 2025-10-08. Review status: criteria provided, single submitter. Criteria: ACMG Guidelines, 2015. Collection method: clinical testing. Allele origin: germline.
Comment: The TTN c.41098G>A variant is predicted to result in the amino acid substitution p.Val13700Ile. To our knowledge, this variant has not been reported in the literature. This variant is reported in 0.0033% of alleles in individuals of South Asian descent in gnomAD. At this time, the clinical significance of this variant is uncertain due to the absence of conclusive functional and genetic evidence.

Women's Health and Genetics/Laboratory Corporation of America, LabCorp
Classification: Uncertain significance. Last evaluated: 2022-04-07. Review status: criteria provided, single submitter. Criteria: LabCorp Variant Classification Summary - May 2015. Collection method: clinical testing. Allele origin: germline.
Comment: Variant summary: TTN c.33394G>A (p.Val11132Ile) results in a conservative amino acid change located in the I-Band domain of the encoded protein sequence. Four of four in-silico tools predict a benign effect of the variant on protein function. The variant allele was found at a frequency of 1.6e-05 in 248322 control chromosomes. The available data on variant occurrences in the general population are insufficient to allow any conclusion about variant significance. To our knowledge, no occurrence of c.33394G>A in individuals affected with Limb-Girdle Muscular Dystrophy, Type 2J and no experimental evidence demonstrating its impact on protein function have been reported. One clinical diagnostic laboratory has submitted clinical-significance assessments for this variant to ClinVar after 2014 without evidence for independent evaluation. One laboratory classified the variant as uncertain significance. Based on the evidence outlined above, the variant was classified as uncertain significance.

Eurofins Ntd Llc (ga)
Classification: Uncertain significance. Last evaluated: 2018-06-25. Review status: criteria provided, single submitter. Criteria: EGL ClinVar v180209 classification definitions. Collection method: clinical testing. Allele origin: germline. Observed: 1 variant allele, 1 heterozygote.

NM_001267550.2(TTN):c.41098G>A (p.Val13700Ile)

Gene: TTN (titin; minus strand). Cytogenetic location: 2q31.2.
Variant type: single nucleotide variant.
Coding change: c.41098G>A on transcript NM_001267550.2 (MANE Select); coding-DNA position 41098, G replaced by A.
Protein change: p.Val13700Ile; replaces valine 13700 with isoleucine.
Molecular consequence: missense variant.
Genome position (GRCh38, 1-based): chr2:178,636,629, C>T on the plus strand (G>A on the coding strand, the complement: TTN is on the minus strand). VCF-style: chr2-178636629-C-T. GRCh37 (hg19) VCF-style: chr2-179501356-C-T.
Other names: c.36175G>A, p.Val12059Ile (NM_001256850.1); c.13903G>A, p.Val4635Ile (NM_003319.4); c.33394G>A, p.Val11132Ile (NM_133378.4); c.14278G>A, p.Val4760Ile (NM_133432.3); c.14479G>A, p.Val4827Ile (NM_133437.4); short protein forms V13700I, V11132I, V4635I, V4760I, V12059I, V4827I.
Identifiers: ClinVar variation 597767 (VCV000597767.7), dbSNP rs748716483, ClinGen allele CA1996315.